The following is an entry in ClinVar:

ClinVar aggregate classification (germline): Uncertain significance. Review status: criteria provided, multiple submitters, no conflicts (2 of 4 stars). 2 submissions from 2 submitters: Uncertain significance (2). Last evaluated 2023-02-23.

Conditions:
Inborn genetic diseases. Identifiers: MedGen C0950123, MeSH D030342.
Infantile-onset ascending hereditary spastic paralysis (IAHSP). Also called: Infantile-Onset Ascending Hereditary Spastic Paralysis (IAHSP); Autosomal Recessive Juvenile Amyotrophic Lateral Sclerosis. Identifiers: Orphanet 293168, MedGen C2931441, MONDO:0011797, OMIM 607225. Disease mechanism: loss of function.

Allele frequency attached by ClinVar (database versions not stated): gnomAD 0.00001 and 0.00003; gnomAD exomes 0.00001 and 0.00002; ExAC 0.00002; TOPMed 0.00002.

Submissions (2):

Ambry Genetics
Classification: Uncertain significance for Inborn genetic diseases. Last evaluated: 2023-02-23. Review status: criteria provided, single submitter. Criteria: Ambry Variant Classification Scheme 2023. Collection method: clinical testing. Allele origin: germline.

Labcorp Genetics (formerly Invitae), Labcorp
Classification: Uncertain significance for Infantile-onset ascending hereditary spastic paralysis. Last evaluated: 2022-03-17. Review status: criteria provided, single submitter. Criteria: Invitae Variant Classification Sherloc (09022015). Collection method: clinical testing. Allele origin: germline.
Comment: This sequence change replaces glutamic acid, which is acidic and polar, with lysine, which is basic and polar, at codon 1449 of the ALS2 protein (p.Glu1449Lys). This variant is present in population databases (rs779841299, gnomAD 0.01%). This variant has not been reported in the literature in individuals affected with ALS2-related conditions. ClinVar contains an entry for this variant (Variation ID: 576790). Algorithms developed to predict the effect of missense changes on protein structure and function (SIFT, PolyPhen-2, Align-GVGD) all suggest that this variant is likely to be tolerated. In summary, the available evidence is currently insufficient to determine the role of this variant in disease. Therefore, it has been classified as a Variant of Uncertain Significance.

NM_020919.4(ALS2):c.4345G>A (p.Glu1449Lys)

Gene: ALS2 (alsin Rho guanine nucleotide exchange factor ALS2; minus strand). Cytogenetic location: 2q33.1.
Variant type: single nucleotide variant.
Coding change: c.4345G>A on transcript NM_020919.4 (MANE Select); coding-DNA position 4345, G replaced by A.
Protein change: p.Glu1449Lys; replaces glutamic acid 1449 with lysine.
Molecular consequence: missense variant.
Genome position (GRCh38, 1-based): chr2:201,707,927, C>T on the plus strand (G>A on the coding strand, the complement: ALS2 is on the minus strand). VCF-style: chr2-201707927-C-T. GRCh37 (hg19) VCF-style: chr2-202572650-C-T.
Other names: short protein forms E1449K.
Identifiers: ClinVar variation 576790 (VCV000576790.7), dbSNP rs779841299, ClinGen allele CA2057604.